The following is an entry in ClinVar:

ClinVar aggregate classification (germline): Likely pathogenic (1 of 4 stars; one submission).

Conditions:
Nemaline myopathy 2 (NEM2). Also called: Nemaline myopathy 2, autosomal recessive. Identifiers: MedGen C1850569, MONDO:0009725, OMIM 256030.

Submission:

Labcorp Genetics (formerly Invitae), Labcorp
Classification: Likely pathogenic for Nemaline myopathy 2. Last evaluated: 2021-12-02. Review status: criteria provided, single submitter. Criteria: Invitae Variant Classification Sherloc (09022015). Collection method: clinical testing. Allele origin: germline.
Comment: The frequency data for this variant in the population databases (gnomAD) is considered unreliable due to the presence of homologous sequence, such as pseudogenes or paralogs, in the genome. This variant has not been reported in the literature in individuals affected with NEB-related conditions. In summary, the currently available evidence indicates that the variant is pathogenic, but additional data are needed to prove that conclusively. Therefore, this variant has been classified as Likely Pathogenic. This variant results in the deletion of part of exon 88 of the NEB gene. It is expected to disrupt RNA splicing. Variants that disrupt the donor or acceptor splice site typically lead to a loss of protein function (PMID: 16199547), and loss-of-function variants in NEB are known to be pathogenic (PMID: 25205138). This variant occurs in a region of NEB (Exons 82-105) consisting of three highly homologous 8-exon repeat units (exons 82-89, exons 90-97, exons 98-105). Sequence variants in this region can be detected, but this assay cannot determine which of the three repeat units is affected, and zygosity is often ambiguous. All variants in this region are reported relative to the exon 82-89 repeat.

Literature cited by the submitters: PubMed 16199547; PubMed 25205138.

NM_001164508.2(NEB):c.13369-2_13374del

Gene: NEB (nebulin; minus strand). Cytogenetic location: 2q23.3.
Variant type: Deletion.
Coding change: c.13369-2_13374del on transcript NM_001164508.2 (MANE Select); the canonical splice acceptor site of the intron before coding-DNA position 13369 through coding-DNA position 13374, 8 bases deleted (AGAAACGC; older notation c.13369-2_13374delAGAAACGC).
Molecular consequence: splice acceptor variant. On other transcripts: intron variant (1).
Genome position (GRCh38, 1-based): chr2:151,602,003-151,602,010, GCGTTTCT deleted on the plus strand (AGAAACGC on the coding strand, the reverse complement: NEB is on the minus strand); deleting any 8 consecutive bases within chr2:151,602,003-151,602,012 gives the same sequence; the c. name uses the placement nearest the transcript's 3' end. VCF-style (leftmost placement, unchanged base first): chr2-151602002-AGCGTTTCT-A. GRCh37 (hg19) VCF-style: chr2-152458516-AGCGTTTCT-A.
Other names: c.11601+7799_11601+7806del (NM_004543.5); c.13369-2_13374del (NM_001164507.2, NM_001271208.2).
Identifiers: ClinVar variation 2893705 (VCV002893705.3), dbSNP rs2552220885, ClinGen allele CA2739271351.